The following is an entry in ClinVar:

NM_020461.4(TUBGCP6):c.2434G>A (p.Ala812Thr)

Gene: TUBGCP6 (tubulin gamma complex component 6; minus strand). Cytogenetic location: 22q13.33.
Variant type: single nucleotide variant.
Coding change: c.2434G>A on transcript NM_020461.4 (MANE Select); coding-DNA position 2434, G replaced by A.
Protein change: p.Ala812Thr; replaces alanine 812 with threonine.
Molecular consequence: missense variant.
Genome position (GRCh38, 1-based): chr22:50,222,078, C>T on the plus strand (G>A on the coding strand, the complement: TUBGCP6 is on the minus strand). VCF-style: chr22-50222078-C-T. GRCh37 (hg19) VCF-style: chr22-50660507-C-T.
Other names: short protein forms A812T.
Identifiers: ClinVar variation 1512688 (VCV001512688.5), dbSNP rs2147181430, ClinGen allele CA412098763.

ClinVar aggregate classification (germline): Uncertain significance (1 of 4 stars; one submission).

Allele frequency attached by ClinVar (database versions not stated): gnomAD exomes below 0.00001.
gnomAD v4.1: 1 of 1,613,776 alleles (0.000062%); highest among the groups gnomAD compares: Non-Finnish European, 0.000085%; no homozygotes.

Submission:

Labcorp Genetics (formerly Invitae), Labcorp
Classification: Uncertain significance. Last evaluated: 2021-10-27. Review status: criteria provided, single submitter. Criteria: Invitae Variant Classification Sherloc (09022015). Collection method: clinical testing. Allele origin: germline.
Comment: This sequence change replaces alanine, a(n) neutral and non-polar amino acid, with threonine, a(n) neutral and polar amino acid, at codon 812 of the TUBGCP6 protein (p.Ala812Thr). This variant is not present in population databases (gnomAD no frequency). This variant has not been reported in the literature in individuals affected with TUBGCP6-related conditions. Algorithms developed to predict the effect of missense changes on protein structure and function output the following: SIFT: "Tolerated"; PolyPhen-2: "Benign"; Align-GVGD: "Class C0". The threonine amino acid residue is found in multiple mammalian species, which suggests that this missense change does not adversely affect protein function. In summary, the available evidence is currently insufficient to determine the role of this variant in disease. Therefore, it has been classified as a Variant of Uncertain Significance.